The following is an entry in ClinVar:

ClinVar aggregate classification (germline): Likely benign (0 of 4 stars; one submission).

Conditions:
NME8-related disorder. Also called: NME8-related condition.

Allele frequency attached by ClinVar (database versions not stated): gnomAD exomes 0.00001.
gnomAD v4.1: 10 of 1,583,468 alleles (0.00063%); highest among the groups gnomAD compares: Middle Eastern, 0.017%; no homozygotes.

Submission:

PreventionGenetics, part of Exact Sciences
Classification: Likely benign for NME8-related condition. Last evaluated: 2019-03-01. Review status: no assertion criteria provided. Collection method: clinical testing. Allele origin: germline.
Comment: This variant is classified as likely benign based on ACMG/AMP sequence variant interpretation guidelines (Richards et al. 2015 PMID: 25741868, with internal and published modifications).

NM_016616.5(NME8):c.*2G>A

Gene: NME8 (NME/NM23 family member 8; plus strand). Cytogenetic location: 7p14.1.
Variant type: single nucleotide variant.
Coding change: c.*2G>A on transcript NM_016616.5 (MANE Select); 2 bases downstream of the stop codon, G replaced by A.
Molecular consequence: 3 prime UTR variant.
Genome position (GRCh38, 1-based): chr7:37,897,094, G>A. VCF-style: chr7-37897094-G-A. GRCh37 (hg19) VCF-style: chr7-37936696-G-A.
Identifiers: ClinVar variation 3057906 (VCV003057906.2), dbSNP rs1785241444, ClinGen allele CA1700788623.
Genomic context (GRCh38, chr7:37,897,094, plus strand): 5'-ACGCCTATGAAGCAAAAGAGGTTGTTAATAGACTCTTTGAGGATCCTGAGGAAAACTAAA[G>A]TATATACTGTGAAGTACGTACCTGTTTAATTATTATTTTATTTTATTTGCTTGTTGCAGT-3'